The following is an entry in ClinVar:

ClinVar aggregate classification (germline): Benign (0 of 4 stars; one submission).

Conditions:
ALPK2-related disorder. Also called: ALPK2-related condition.

Allele frequency attached by ClinVar (database versions not stated): gnomAD exomes 0.02294; ExAC 0.02884; gnomAD 0.04410; TOPMed 0.04852; ESP Exome Variant Server 0.04859; 1000 Genomes Project 0.05491; 1000 Genomes Project 30x 0.05778.
gnomAD v4.1: 40,491 of 1,613,920 alleles (2.5%); highest among the groups gnomAD compares: African/African-American, 11%; 852 homozygotes.

Submission:

PreventionGenetics, part of Exact Sciences
Classification: Benign for ALPK2-related condition. Last evaluated: 2019-08-12. Review status: no assertion criteria provided. Collection method: clinical testing. Allele origin: germline.
Comment: This variant is classified as benign based on ACMG/AMP sequence variant interpretation guidelines (Richards et al. 2015 PMID: 25741868, with internal and published modifications).

NM_052947.4(ALPK2):c.2651C>T (p.Ser884Leu)

Gene: ALPK2 (alpha kinase 2; minus strand). Cytogenetic location: 18q21.31.
Variant type: single nucleotide variant.
Coding change: c.2651C>T on transcript NM_052947.4 (MANE Select); coding-DNA position 2651, C replaced by T.
Protein change: p.Ser884Leu; replaces serine 884 with leucine.
Molecular consequence: missense variant.
Genome position (GRCh38, 1-based): chr18:58,537,536, G>A on the plus strand (C>T on the coding strand, the complement: ALPK2 is on the minus strand). VCF-style: chr18-58537536-G-A. GRCh37 (hg19) VCF-style: chr18-56204768-G-A.
Other names: short protein forms S884L.
Identifiers: ClinVar variation 3055341 (VCV003055341.2), dbSNP rs3809974, ClinGen allele CA8977036.